The following is an entry in ClinVar:

NM_003482.4(KMT2D):c.9448C>T (p.Leu3150Phe)

Gene: KMT2D (lysine methyltransferase 2D; minus strand). Cytogenetic location: 12q13.12.
Variant type: single nucleotide variant.
Coding change: c.9448C>T on transcript NM_003482.4 (MANE Select); coding-DNA position 9448, C replaced by T.
Protein change: p.Leu3150Phe; replaces leucine 3150 with phenylalanine.
Molecular consequence: missense variant.
Genome position (GRCh38, 1-based): chr12:49,037,908, G>A on the plus strand (C>T on the coding strand, the complement: KMT2D is on the minus strand). VCF-style: chr12-49037908-G-A. GRCh37 (hg19) VCF-style: chr12-49431691-G-A.
Other names: short protein forms L3150F.
Identifiers: ClinVar variation 4738754 (VCV004738754.1).

ClinVar aggregate classification (germline): Uncertain significance (1 of 4 stars; one submission).

Conditions:
Kabuki syndrome. Also called: NIIKAWA-KUROKI SYNDROME; Kabuki make-up syndrome. Identifiers: Orphanet 2322, MedGen C0796004, MONDO:0016512.

gnomAD v4.1: 3 of 1,604,362 alleles (0.00019%); highest among the groups gnomAD compares: Middle Eastern, 0.033%; no homozygotes.

Submission:

Labcorp Genetics (formerly Invitae), Labcorp
Classification: Uncertain significance for Kabuki syndrome. Last evaluated: 2025-12-03. Review status: criteria provided, single submitter. Criteria: Invitae Variant Classification Sherloc (09022015). Collection method: clinical testing. Allele origin: germline.
Comment: This sequence change replaces leucine, which is neutral and non-polar, with phenylalanine, which is neutral and non-polar, at codon 3150 of the KMT2D protein (p.Leu3150Phe). This variant is present in population databases (no rsID available, gnomAD no frequency). This variant has not been reported in the literature in individuals affected with KMT2D-related conditions. Invitae Evidence Modeling of protein sequence and biophysical properties (such as structural, functional, and spatial information, amino acid conservation, physicochemical variation, residue mobility, and thermodynamic stability) has been performed for this missense variant. However, the output from this modeling did not meet the statistical confidence thresholds required to predict the impact of this variant on KMT2D protein function. In summary, the available evidence is currently insufficient to determine the role of this variant in disease. Therefore, it has been classified as a Variant of Uncertain Significance.